The following is an entry in ClinVar:

ClinVar aggregate classification (germline): Benign. Review status: criteria provided, multiple submitters, no conflicts (2 of 4 stars). 5 submissions from 5 submitters: Benign (4). 1 of the submissions does not count toward it. Last evaluated 2026-02-02.

Conditions:
Compton-North congenital myopathy (CMYO12). Identifiers: Orphanet 210163, MedGen C2675527, MONDO:0012929, OMIM 612540.

Allele frequency attached by ClinVar (database versions not stated): gnomAD exomes 0.00577; ExAC 0.00998; gnomAD 0.02228 and 0.02401; ESP Exome Variant Server 0.02345; 1000 Genomes Project 0.02456; TOPMed 0.02523; 1000 Genomes Project 30x 0.02577.
gnomAD v4.1: 6,297 of 1,460,780 alleles (0.43%); highest among the groups gnomAD compares: African/African-American, 7.6%; 212 homozygotes.

Submissions (6):

Labcorp Genetics (formerly Invitae), Labcorp
Classification: Benign for Compton-North congenital myopathy. Last evaluated: 2026-02-02. Review status: criteria provided, single submitter. Criteria: Invitae Variant Classification Sherloc (09022015). Collection method: clinical testing. Allele origin: germline.

Athena Diagnostics
Classification: Benign. Last evaluated: 2017-06-06. Review status: criteria provided, single submitter. Criteria: Athena Diagnostics Criteria. Collection method: clinical testing. Allele origin: germline.

GeneDx
Classification: Benign. Last evaluated: 2016-06-03. Review status: criteria provided, single submitter. Criteria: GeneDx Variant Classification (06012015). Collection method: clinical testing. Allele origin: germline. Affected: yes.
Comment: This variant is considered likely benign or benign based on one or more of the following criteria: it is a conservative change, it occurs at a poorly conserved position in the protein, it is predicted to be benign by multiple in silico algorithms, and/or has population frequency not consistent with disease.

PreventionGenetics, part of Exact Sciences
Classification: Benign. Review status: criteria provided, single submitter. Criteria: ACMG Guidelines, 2015. Collection method: clinical testing. Allele origin: germline.

Dr. Peter K. Rogan Lab, Western University
No classification provided (evidence only). Condition: Uterine corpus endometrial carcinoma. Review status: no classification provided. Collection method: in vitro. Allele origin: not applicable. Functional consequence: retained intron. Not counted in ClinVar's aggregate classification.

Genetic Services Laboratory, University of Chicago
Classification: Likely benign for AllHighlyPenetrant. Review status: no assertion criteria provided. Collection method: clinical testing. Allele origin: germline. Inheritance: Autosomal recessive inheritance. Not counted in ClinVar's aggregate classification.
Comment: Likely benign based on allele frequency in 1000 Genomes Project or ESP global frequency and its presence in a patient with a rare or unrelated disease phenotype. NOT Sanger confirmed.

NM_001843.4(CNTN1):c.401-9C>T

Gene: CNTN1 (contactin 1; plus strand). Cytogenetic location: 12q12.
Variant type: single nucleotide variant.
Coding change: c.401-9C>T on transcript NM_001843.4 (MANE Select); 9 bases into the intron before coding-DNA position 401, C replaced by T.
Molecular consequence: intron variant.
Genome position (GRCh38, 1-based): chr12:40,924,548, C>T. VCF-style: chr12-40924548-C-T. GRCh37 (hg19) VCF-style: chr12-41318350-C-T.
Other names: c.401-9C>T (NM_001256063.2, NM_001256064.2); c.368-9C>T (NM_175038.2).
Identifiers: ClinVar variation 128797 (VCV000128797.19), dbSNP rs57340925, ClinGen allele CA152450.